The following is an entry in ClinVar:

NM_002878.4(RAD51D):c.263+1620G>A

Genes: RAD51D (RAD51 paralog D; minus strand), RAD51L3-RFFL (RAD51L3-RFFL readthrough; minus strand). Cytogenetic location: 17q12.
Variant type: single nucleotide variant.
Coding change: c.263+1620G>A on transcript NM_002878.4 (MANE Select); 1620 bases into the intron after coding-DNA position 263, G replaced by A.
Molecular consequence: intron variant. On other transcripts: missense variant (1).
Genome position (GRCh38, 1-based): chr17:35,116,881, C>T on the plus strand (G>A on the coding strand, the complement: RAD51D is on the minus strand). VCF-style: chr17-35116881-C-T. GRCh37 (hg19) VCF-style: chr17-33443900-C-T.
Other names: c.301G>A, p.Gly101Ser (NM_001142571.2); c.144+2230G>A (NM_133629.3); short protein forms G101S.
Identifiers: ClinVar variation 5027845 (VCV005027845.1).

ClinVar aggregate classification (germline): Uncertain significance (1 of 4 stars; one submission).

Conditions:
Hereditary cancer-predisposing syndrome. Also called: Neoplastic Syndromes, Hereditary; Tumor predisposition; Hereditary neoplastic syndrome; Hereditary Cancer Syndrome. Identifiers: Orphanet 140162, MedGen C0027672, MeSH D009386, MONDO:0015356.

Submission:

Ambry Genetics
Classification: Uncertain significance for Hereditary cancer-predisposing syndrome. Last evaluated: 2026-07-07. Review status: criteria provided, single submitter. Criteria: Ambry Variant Classification Scheme 2023. Collection method: clinical testing. Allele origin: germline.
Comment: The p.G101S variant (also known as c.301G>A), located in coding exon 3 of the RAD51D gene, results from a G to A substitution at nucleotide position 301. The glycine at codon 101 is replaced by serine, an amino acid with similar properties. This amino acid position is conserved. In addition, this alteration is predicted to be tolerated by in silico analysis. Based on the available evidence, the clinical significance of this variant remains unclear.